The following is an entry in ClinVar:

ClinVar aggregate classification (germline): Uncertain significance (1 of 4 stars; one submission).

Conditions:
Spinocerebellar ataxia type 19/22 (SCA19). Also called: SPINOCEREBELLAR ATAXIA 22; SPINOCEREBELLAR ATAXIA 19. Identifiers: Orphanet 98772, MedGen C1846367, MONDO:0011819, OMIM 607346.

Submission:

Labcorp Genetics (formerly Invitae), Labcorp
Classification: Uncertain significance for Spinocerebellar ataxia type 19/22. Last evaluated: 2025-01-22. Review status: criteria provided, single submitter. Criteria: Invitae Variant Classification Sherloc (09022015). Collection method: clinical testing. Allele origin: germline.
Comment: This sequence change replaces threonine, which is neutral and polar, with alanine, which is neutral and non-polar, at codon 544 of the KCND3 protein (p.Thr544Ala). This variant is not present in population databases (gnomAD no frequency). This missense change has been observed in individual(s) with arrhythmia (PMID: 30847666). Invitae Evidence Modeling of protein sequence and biophysical properties (such as structural, functional, and spatial information, amino acid conservation, physicochemical variation, residue mobility, and thermodynamic stability) indicates that this missense variant is not expected to disrupt KCND3 protein function with a negative predictive value of 95%. In summary, the available evidence is currently insufficient to determine the role of this variant in disease. Therefore, it has been classified as a Variant of Uncertain Significance.

Literature cited by the submitters: PubMed 30847666.

NM_001378969.1(KCND3):c.1630A>G (p.Thr544Ala)

Gene: KCND3 (potassium voltage-gated channel subfamily D member 3; minus strand). Cytogenetic location: 1p13.2.
Variant type: single nucleotide variant.
Coding change: c.1630A>G on transcript NM_001378969.1 (MANE Select); coding-DNA position 1630, A replaced by G.
Protein change: p.Thr544Ala; replaces threonine 544 with alanine.
Molecular consequence: missense variant.
Genome position (GRCh38, 1-based): chr1:111,777,162, T>C on the plus strand (A>G on the coding strand, the complement: KCND3 is on the minus strand). VCF-style: chr1-111777162-T-C. GRCh37 (hg19) VCF-style: chr1-112319784-T-C.
Other names: c.1573A>G, p.Thr525Ala (NM_001378970.1, NM_172198.3); c.1630A>G, p.Thr544Ala (NM_004980.5); short protein forms T525A, T544A.
Identifiers: ClinVar variation 3613273 (VCV003613273.2).
Genomic context (GRCh38, chr1:111,777,162, plus strand): 5'-CTGGCAGGTTAGAATTGGGCAGGTGTGTGGTCTTCTTACTACGACGGGAGCAGCAGGTGG[T>C]AGTGAGGCCTGGGTGGCTGGACAGTGAGGGACTTCTTGTGGATGGGTAGTTCTGCATTGA-3'
Protein context (NP_001365898.1, residues 534-554): PSLSSHPGLT[Thr544Ala]TCCSRRSKKT